The following is an entry in ClinVar:

NM_004304.5(ALK):c.3856G>A (p.Gly1286Arg)

Gene: ALK (ALK receptor tyrosine kinase; minus strand). Cytogenetic location: 2p23.2.
Variant type: single nucleotide variant.
Coding change: c.3856G>A on transcript NM_004304.5 (MANE Select); coding-DNA position 3856, G replaced by A.
Protein change: p.Gly1286Arg; replaces glycine 1286 with arginine.
Molecular consequence: missense variant.
Genome position (GRCh38, 1-based): chr2:29,207,253, C>T on the plus strand (G>A on the coding strand, the complement: ALK is on the minus strand). VCF-style: chr2-29207253-C-T. GRCh37 (hg19) VCF-style: chr2-29430119-C-T.
Other names: c.652G>A, p.Gly218Arg (NM_001353765.2); short protein forms G1286R, G218R.
Identifiers: ClinVar variation 1735559 (VCV001735559.3), dbSNP rs2148152189, ClinGen allele CA346468992.

ClinVar aggregate classification (germline): Uncertain significance. Review status: criteria provided, multiple submitters, no conflicts (2 of 4 stars). 2 submissions from 2 submitters: Uncertain significance (2). Last evaluated 2024-04-22.

Conditions:
Neuroblastoma, susceptibility to, 3. Also called: ALK-Related Neuroblastic Tumor Susceptibility. Identifiers: Orphanet 635, MedGen C2751681, MONDO:0013083, OMIM 613014.
Hereditary cancer-predisposing syndrome. Also called: Neoplastic Syndromes, Hereditary; Tumor predisposition; Hereditary Cancer Syndrome; Hereditary neoplastic syndrome. Identifiers: Orphanet 140162, MedGen C0027672, MeSH D009386, MONDO:0015356.

Allele frequency attached by ClinVar (database versions not stated): gnomAD exomes below 0.00001.
gnomAD v4.1: 2 of 1,614,132 alleles (0.00012%); highest among the groups gnomAD compares: Non-Finnish European, 0.00017%; no homozygotes.

Submissions (2):

Fulgent Genetics
Classification: Uncertain significance for Neuroblastoma, susceptibility to, 3. Last evaluated: 2024-04-22. Review status: criteria provided, single submitter. Criteria: ACMG Guidelines, 2015. Collection method: clinical testing. Allele origin: germline.

Ambry Genetics
Classification: Uncertain significance for Hereditary cancer-predisposing syndrome. Last evaluated: 2022-05-26. Review status: criteria provided, single submitter. Criteria: Ambry Variant Classification Scheme 2023. Collection method: clinical testing. Allele origin: germline.
Comment: The p.G1286R variant (also known as c.3856G>A), located in coding exon 26 of the ALK gene, results from a G to A substitution at nucleotide position 3856. The glycine at codon 1286 is replaced by arginine, an amino acid with dissimilar properties. This amino acid position is highly conserved in available vertebrate species. In addition, this alteration is predicted to be deleterious by in silico analysis. Since supporting evidence is limited at this time, the clinical significance of this alteration remains unclear.